The following is an entry in ClinVar:

NM_001429.4(EP300):c.5857C>T (p.Gln1953Ter)

Gene: EP300 (EP300 lysine acetyltransferase; plus strand). Cytogenetic location: 22q13.2.
Variant type: single nucleotide variant.
Coding change: c.5857C>T on transcript NM_001429.4 (MANE Select); coding-DNA position 5857, C replaced by T.
Protein change: p.Gln1953Ter; replaces glutamine 1953 with a stop codon.
Molecular consequence: nonsense.
Genome position (GRCh38, 1-based): chr22:41,177,568, C>T. VCF-style: chr22-41177568-C-T. GRCh37 (hg19) VCF-style: chr22-41573572-C-T.
Other names: c.5779C>T, p.Gln1927Ter (NM_001362843.2); short protein forms Q1953*, Q1927*.
Identifiers: ClinVar variation 3845135 (VCV003845135.2).

ClinVar aggregate classification (germline): Likely pathogenic. Review status: criteria provided, multiple submitters, no conflicts (2 of 4 stars). 2 submissions from 2 submitters: Likely pathogenic (2). Last evaluated 2025-11-06.

Conditions:
Inborn genetic diseases. Identifiers: MedGen C0950123, MeSH D030342.
Rubinstein-Taybi syndrome due to EP300 haploinsufficiency. Also called: EP300-Related Rubinstein-Taybi Syndrome; RUBINSTEIN-TAYBI SYNDROME 2. Identifiers: Orphanet 353284, Orphanet 783, MedGen C3150941, MONDO:0013364, OMIM 613684.

Submissions (2):

3billion
Classification: Likely pathogenic for Rubinstein-Taybi syndrome due to EP300 haploinsufficiency. Last evaluated: 2025-11-06. Review status: criteria provided, single submitter. Criteria: ACMG Guidelines, 2015. Collection method: clinical testing. Allele origin: germline. Affected: yes.
Comment: The variant is not observed in the gnomAD v4.1.0 dataset. Predicted Consequence/Location: Stop-gained (nonsense): predicted to result in a loss or disruption of normal protein function through protein truncation. The predicted truncated protein may be shortened by more than 10%. The variant has been reported to be associated with EP300-related disorder (ClinVar ID: VCV003845135). Therefore, this variant is classified as Likely pathogenic according to the recommendation of ACMG/AMP guideline.

Ambry Genetics
Classification: Likely pathogenic for Inborn genetic diseases. Last evaluated: 2024-12-23. Review status: criteria provided, single submitter. Criteria: Ambry Variant Classification Scheme 2023. Collection method: clinical testing. Allele origin: germline.
Comment: The c.5857C>T (p.Q1953*) alteration, located in exon 31 (coding exon 31) of the EP300 gene, consists of a C to T substitution at nucleotide position 5857. This changes the amino acid from a glutamine (Q) to a stop codon at amino acid position 1953. This variant is not expected to trigger nonsense-mediated mRNA decay, and impacts the last 19% of the protein. However, premature stop codons are typically deleterious in nature, and the impacted region is critical for protein function (Ambry internal data). This variant was not reported in population-based cohorts in the Genome Aggregation Database (gnomAD). Based on the available evidence, this alteration is classified as likely pathogenic.